The following is an entry in ClinVar:

NM_005859.5(PURA):c.647_660del (p.Ala216fs)

Gene: PURA (purine rich element binding protein A; plus strand). Cytogenetic location: 5q31.3.
Variant type: Deletion.
Coding change: c.647_660del on transcript NM_005859.5 (MANE Select); coding-DNA positions 647 to 660, 14 bases deleted (CCGAGCTGCCCGAG).
Protein change: p.Ala216fs; shifts the reading frame from alanine 216.
Molecular consequence: frameshift variant.
Genome position (GRCh38, 1-based): chr5:140,114,828-140,114,841, CCGAGCTGCCCGAG deleted; deleting any 14 consecutive bases within chr5:140,114,827-140,114,841 gives the same sequence; the c. name uses the placement nearest the transcript's 3' end. VCF-style (leftmost placement, unchanged base first): chr5-140114826-GGCCGAGCTGCCCGA-G. GRCh37 (hg19) VCF-style: chr5-139494411-GGCCGAGCTGCCCGA-G.
Other names: short protein forms A216fs.
Identifiers: ClinVar variation 1068656 (VCV001068656.11), dbSNP rs2126749301, ClinGen allele CA2499217693.

ClinVar aggregate classification (germline): Pathogenic (1 of 4 stars; one submission).

Conditions:
PURA-related severe neonatal hypotonia-seizures-encephalopathy syndrome (NEDRIHF). Also called: PURA-Related Neurodevelopmental Disorders; NEURODEVELOPMENTAL DISORDER WITH NEONATAL RESPIRATORY INSUFFICIENCY, HYPOTONIA, AND FEEDING DIFFICULTIES. Identifiers: Orphanet 438213, Orphanet 438216, MedGen C4015357, MONDO:1060108, OMIM 616158, MONDO:0018580.

Submission:

Labcorp Genetics (formerly Invitae), Labcorp
Classification: Pathogenic for PURA-related severe neonatal hypotonia-seizures-encephalopathy syndrome. Last evaluated: 2020-02-11. Review status: criteria provided, single submitter. Criteria: Invitae Variant Classification Sherloc (09022015). Collection method: clinical testing. Allele origin: germline.
Comment: For these reasons, this variant has been classified as Pathogenic. This variant disrupts the C-terminus of the PURA protein. Other variant(s) that disrupt this region (p.Tyr261* and p.Val246Glyfs*45) have been determined to be pathogenic (PMID: 25439098, Invitae). This suggests that variants that disrupt this region of the protein are likely to be causative of disease. This variant has not been reported in the literature in individuals with PURA-related conditions. This variant is not present in population databases (ExAC no frequency). This sequence change results in a premature translational stop signal in the PURA gene (p.Ala216Glyfs*73). While this is not anticipated to result in nonsense mediated decay, it is expected to disrupt the last 107 amino acids of the PURA protein.

Literature cited by the submitters: PubMed 25439098.